The following is an entry in ClinVar:

NM_002350.4(LYN):c.932G>A (p.Arg311Lys)

Gene: LYN (LYN proto-oncogene, Src family tyrosine kinase; plus strand). Cytogenetic location: 8q12.1.
Variant type: single nucleotide variant.
Coding change: c.932G>A on transcript NM_002350.4 (MANE Select); coding-DNA position 932, G replaced by A.
Protein change: p.Arg311Lys; replaces arginine 311 with lysine.
Molecular consequence: missense variant.
Genome position (GRCh38, 1-based): chr8:55,966,856, G>A. VCF-style: chr8-55966856-G-A. GRCh37 (hg19) VCF-style: chr8-56879415-G-A.
Other names: c.869G>A, p.Arg290Lys (NM_001111097.3); short protein forms R290K, R311K.
Identifiers: ClinVar variation 1713696 (VCV001713696.5), dbSNP rs2487551686, ClinGen allele CA371285249.

ClinVar aggregate classification (germline): Uncertain significance (1 of 4 stars; one submission).

Submission:

Labcorp Genetics (formerly Invitae), Labcorp
Classification: Uncertain significance. Last evaluated: 2022-11-01. Review status: criteria provided, single submitter. Criteria: Invitae Variant Classification Sherloc (09022015). Collection method: clinical testing. Allele origin: germline.
Comment: This sequence change replaces arginine, which is basic and polar, with lysine, which is basic and polar, at codon 311 of the LYN protein (p.Arg311Lys). This variant is not present in population databases (gnomAD no frequency). This variant has not been reported in the literature in individuals affected with LYN-related conditions. Algorithms developed to predict the effect of missense changes on protein structure and function output the following: SIFT: "Tolerated"; PolyPhen-2: "Benign"; Align-GVGD: "Class C0". The lysine amino acid residue is found in multiple mammalian species, which suggests that this missense change does not adversely affect protein function. In summary, the available evidence is currently insufficient to determine the role of this variant in disease. Therefore, it has been classified as a Variant of Uncertain Significance.